The following is an entry in ClinVar:

NM_004655.4(AXIN2):c.1124T>G (p.Ile375Ser)

Gene: AXIN2 (axin 2; minus strand). Cytogenetic location: 17q24.1.
Variant type: single nucleotide variant.
Coding change: c.1124T>G on transcript NM_004655.4 (MANE Select); coding-DNA position 1124, T replaced by G.
Protein change: p.Ile375Ser; replaces isoleucine 375 with serine.
Molecular consequence: missense variant.
Genome position (GRCh38, 1-based): chr17:65,538,279, A>C on the plus strand (T>G on the coding strand, the complement: AXIN2 is on the minus strand). VCF-style: chr17-65538279-A-C. GRCh37 (hg19) VCF-style: chr17-63534397-A-C.
Other names: c.1124T>G, p.Ile375Ser (NM_001363813.1); short protein forms I375S.
Identifiers: ClinVar variation 4867309 (VCV004867309.1).

ClinVar aggregate classification (germline): Uncertain significance (1 of 4 stars; one submission).

Conditions:
Hereditary cancer-predisposing syndrome. Also called: Neoplastic Syndromes, Hereditary; Tumor predisposition; Hereditary Cancer Syndrome; Hereditary neoplastic syndrome. Identifiers: Orphanet 140162, MedGen C0027672, MeSH D009386, MONDO:0015356.

gnomAD v4.1: 1 of 1,614,152 alleles (0.000062%); highest among the groups gnomAD compares: Non-Finnish European, 0.000085%; no homozygotes.

Submission:

Ambry Genetics
Classification: Uncertain significance for Hereditary cancer-predisposing syndrome. Last evaluated: 2026-05-03. Review status: criteria provided, single submitter. Criteria: Ambry Variant Classification Scheme 2023. Collection method: clinical testing. Allele origin: germline.
Comment: The p.I375S variant (also known as c.1124T>G), located in coding exon 4 of the AXIN2 gene, results from a T to G substitution at nucleotide position 1124. The isoleucine at codon 375 is replaced by serine, an amino acid with dissimilar properties. This amino acid position is conserved. In addition, this alteration is predicted to be deleterious by in silico analysis. Based on the available evidence, the clinical significance of this variant remains unclear.